The following is an entry in ClinVar:

NM_004738.5(VAPB):c.376C>G (p.Pro126Ala)

Gene: VAPB (VAMP associated protein B and C; plus strand). Cytogenetic location: 20q13.32.
Variant type: single nucleotide variant.
Coding change: c.376C>G on transcript NM_004738.5 (MANE Select); coding-DNA position 376, C replaced by G.
Protein change: p.Pro126Ala; replaces proline 126 with alanine.
Molecular consequence: missense variant. On other transcripts: intron variant (1).
Genome position (GRCh38, 1-based): chr20:58,439,005, C>G. VCF-style: chr20-58439005-C-G. GRCh37 (hg19) VCF-style: chr20-57014061-C-G.
Other names: c.212-5072C>G (NM_001195677.2); short protein forms P126A.
Identifiers: ClinVar variation 2945916 (VCV002945916.3), dbSNP rs2516062187, ClinGen allele CA409439437.

ClinVar aggregate classification (germline): Uncertain significance (1 of 4 stars; one submission).

Conditions:
Amyotrophic lateral sclerosis type 8 (ALS8). Identifiers: Orphanet 803, MedGen C1837728, MONDO:0012077, OMIM 608627.
Adult-onset proximal spinal muscular atrophy, autosomal dominant. Also called: FINKEL LATE-ADULT TYPE SMA; Spinal muscular atrophy, late-onset, finkel type. Identifiers: Orphanet 209335, MedGen C1854058, MONDO:0008453, OMIM 182980.

Submission:

Labcorp Genetics (formerly Invitae), Labcorp
Classification: Uncertain significance for Adult-onset proximal spinal muscular atrophy, autosomal dominant; Amyotrophic lateral sclerosis type 8. Last evaluated: 2023-03-28. Review status: criteria provided, single submitter. Criteria: Invitae Variant Classification Sherloc (09022015). Collection method: clinical testing. Allele origin: germline.
Comment: In summary, the available evidence is currently insufficient to determine the role of this variant in disease. Therefore, it has been classified as a Variant of Uncertain Significance. Advanced modeling of protein sequence and biophysical properties (such as structural, functional, and spatial information, amino acid conservation, physicochemical variation, residue mobility, and thermodynamic stability) performed at Invitae indicates that this missense variant is not expected to disrupt VAPB protein function. This variant has not been reported in the literature in individuals affected with VAPB-related conditions. This variant is not present in population databases (gnomAD no frequency). This sequence change replaces proline, which is neutral and non-polar, with alanine, which is neutral and non-polar, at codon 126 of the VAPB protein (p.Pro126Ala).